The following is an entry in ClinVar:

NM_000245.4(MET):c.671A>G (p.Asp224Gly)

Gene: MET (MET proto-oncogene, receptor tyrosine kinase; plus strand). Cytogenetic location: 7q31.2.
Variant type: single nucleotide variant.
Coding change: c.671A>G on transcript NM_000245.4 (MANE Select); coding-DNA position 671, A replaced by G.
Protein change: p.Asp224Gly; replaces aspartic acid 224 with glycine.
Molecular consequence: missense variant. On other transcripts: intron variant (1).
Genome position (GRCh38, 1-based): chr7:116,699,755, A>G. VCF-style: chr7-116699755-A-G. GRCh37 (hg19) VCF-style: chr7-116339809-A-G.
Other names: c.671A>G, p.Asp224Gly (NM_001127500.3, NM_001324401.3); c.-91+27178A>G (NM_001324402.2); short protein forms D224G.
Identifiers: ClinVar variation 3395184 (VCV003395184.1).
Genomic context (GRCh38, chr7:116,699,755, plus strand): 5'-CTTATTTCCCAGATCATCCATTGCATTCGATATCAGTGAGAAGGCTAAAGGAAACGAAAG[A>G]TGGTTTTATGTTTTTGACGGACCAGTCCTACATTGATGTTTTACCTGAGTTCAGAGATTC-3'
Protein context (NP_000236.2, residues 214-234): ISVRRLKETK[Asp224Gly]GFMFLTDQSY

ClinVar aggregate classification (germline): Uncertain significance (1 of 4 stars; one submission).

Conditions:
Hereditary cancer-predisposing syndrome. Also called: Hereditary Cancer Syndrome; Tumor predisposition; Hereditary neoplastic syndrome; Neoplastic Syndromes, Hereditary. Identifiers: Orphanet 140162, MedGen C0027672, MeSH D009386, MONDO:0015356.

Submission:

Ambry Genetics
Classification: Uncertain significance for Hereditary cancer-predisposing syndrome. Last evaluated: 2024-10-29. Review status: criteria provided, single submitter. Criteria: Ambry Variant Classification Scheme 2023. Collection method: clinical testing. Allele origin: germline.
Comment: The p.D224G variant (also known as c.671A>G), located in coding exon 1 of the MET gene, results from an A to G substitution at nucleotide position 671. The aspartic acid at codon 224 is replaced by glycine, an amino acid with similar properties. This amino acid position is conserved. In addition, this alteration is predicted to be tolerated by in silico analysis. Based on the available evidence, the clinical significance of this variant remains unclear.